The following is an entry in ClinVar:

ClinVar aggregate classification (germline): Uncertain significance (0 of 4 stars; one submission).

Conditions:
PKHD1-related disorder. Also called: PKHD1-related condition.

gnomAD v4.1: 1 of 1,613,566 alleles (0.000062%); no homozygotes.

Submission:

PreventionGenetics, part of Exact Sciences
Classification: Uncertain significance for PKHD1-related condition. Last evaluated: 2024-08-27. Review status: no assertion criteria provided. Collection method: clinical testing. Allele origin: germline.
Comment: The PKHD1 c.7631A>G variant is predicted to result in the amino acid substitution p.Glu2544Gly. To our knowledge, this variant has not been reported in the literature or in a large population database, indicating this variant is rare. At this time, the clinical significance of this variant is uncertain due to the absence of conclusive functional and genetic evidence.

NM_138694.4(PKHD1):c.7631A>G (p.Glu2544Gly)

Gene: PKHD1 (PKHD1 ciliary IPT domain containing fibrocystin/polyductin; minus strand). Cytogenetic location: 6p12.2.
Variant type: single nucleotide variant.
Coding change: c.7631A>G on transcript NM_138694.4 (MANE Select); coding-DNA position 7631, A replaced by G.
Protein change: p.Glu2544Gly; replaces glutamic acid 2544 with glycine.
Molecular consequence: missense variant.
Genome position (GRCh38, 1-based): chr6:51,867,965, T>C on the plus strand (A>G on the coding strand, the complement: PKHD1 is on the minus strand). VCF-style: chr6-51867965-T-C. GRCh37 (hg19) VCF-style: chr6-51732763-T-C.
Other names: c.7631A>G, p.Glu2544Gly (NM_170724.3); short protein forms E2544G.
Identifiers: ClinVar variation 3344464 (VCV003344464.1).
Genomic context (GRCh38, chr6:51,867,965, plus strand): 5'-GCACTGCCATGGACAACCCGACCAAAGCTTGAATTGACCAAACAAGAAGCTGAAAGGGTT[T>C]CCATAGAAGCAAGAATGTGACTTCTGTTTTTCCCAGACAGAGACCCATCCAAGTCTTCCA-3'
Protein context (NP_619639.3, residues 2534-2554): KNRSHILASM[Glu2544Gly]TLSASCLVNS